The following is an entry in ClinVar:

ClinVar aggregate classification (germline): Uncertain significance (1 of 4 stars; one submission).

Submission:

Mayo Clinic Laboratories, Mayo Clinic
Classification: Uncertain significance. Last evaluated: 2025-12-10. Review status: criteria provided, single submitter. Criteria: ACMG Guidelines, 2015. Collection method: clinical testing. Allele origin: germline. Observed: 1 variant allele.
Comment: PM2_supporting

NM_001346249.2(RALGAPA1):c.4244G>A (p.Ser1415Asn)

Gene: RALGAPA1 (Ral GTPase activating protein catalytic subunit alpha 1; minus strand). Cytogenetic location: 14q13.2.
Variant type: single nucleotide variant.
Coding change: c.4244G>A on transcript NM_001346249.2 (MANE Select); coding-DNA position 4244, G replaced by A.
Protein change: p.Ser1415Asn; replaces serine 1415 with asparagine.
Molecular consequence: missense variant.
Genome position (GRCh38, 1-based): chr14:35,684,979, C>T on the plus strand (G>A on the coding strand, the complement: RALGAPA1 is on the minus strand). VCF-style: chr14-35684979-C-T. GRCh37 (hg19) VCF-style: chr14-36154185-C-T.
Other names: p.Ser909Asn; c.2765G>A, p.Ser922Asn (NM_001283043.3); c.2867G>A, p.Ser956Asn (NM_001283044.3, NM_001346245.2, NM_001346247.2); c.4103G>A, p.Ser1368Asn (NM_001330075.3, NM_001346248.2); c.2726G>A, p.Ser909Asn (NM_001346243.2, NM_001346246.2, NM_014990.3 and 1 more transcripts); short protein forms S909N, S922N, S1368N, S1415N, S956N.
Identifiers: ClinVar variation 4541824 (VCV004541824.1).